The following is an entry in ClinVar:

NM_001401501.2(MUC16):c.30636A>C (p.Thr10212=)

Gene: MUC16 (mucin 16, cell surface associated; minus strand). Cytogenetic location: 19p13.2.
Variant type: single nucleotide variant.
Coding change: c.30636A>C on transcript NM_001401501.2 (MANE Select); coding-DNA position 30636, A replaced by C.
Protein change: p.Thr10212=; no amino-acid change (threonine 10212 retained).
Molecular consequence: synonymous variant.
Genome position (GRCh38, 1-based): chr19:8,946,254, T>G on the plus strand (A>C on the coding strand, the complement: MUC16 is on the minus strand). VCF-style: chr19-8946254-T-G. GRCh37 (hg19) VCF-style: chr19-9056930-T-G.
Other names: c.31062A>C, p.Thr10354= (NM_001414686.1); c.30516A>C, p.Thr10172= (NM_001414687.1, NM_024690.2).
Identifiers: ClinVar variation 3058935 (VCV003058935.2), dbSNP rs918535, ClinGen allele CA9167087.

ClinVar aggregate classification (germline): Benign (0 of 4 stars; one submission).

Conditions:
MUC16-related disorder. Also called: MUC16-related condition.

Allele frequency attached by ClinVar (database versions not stated): 1000 Genomes Project 0.24321; 1000 Genomes Project 30x 0.24344; ExAC 0.27805; gnomAD exomes 0.29110; TOPMed 0.29468; gnomAD 0.29492; ESP Exome Variant Server 0.30999.

Submission:

PreventionGenetics, part of Exact Sciences
Classification: Benign for MUC16-related condition. Last evaluated: 2019-10-29. Review status: no assertion criteria provided. Collection method: clinical testing. Allele origin: germline.
Comment: This variant is classified as benign based on ACMG/AMP sequence variant interpretation guidelines (Richards et al. 2015 PMID: 25741868, with internal and published modifications).